The following is an entry in ClinVar:

ClinVar aggregate classification (germline): Uncertain significance (1 of 4 stars; one submission).

Conditions:
Dyskeratosis congenita, autosomal recessive 6 (DKCB6). Identifiers: MedGen C4225356, MONDO:0014600, OMIM 616353.
Pulmonary fibrosis and/or bone marrow failure, Telomere-related, 4. Also called: PULMONARY FIBROSIS AND/OR BONE MARROW FAILURE SYNDROME, TELOMERE-RELATED, 4. Identifiers: Orphanet 2032, MedGen C4225347, MONDO:0014612, OMIM 616371.

Allele frequency attached by ClinVar (database versions not stated): ExAC 0.00001; gnomAD exomes 0.00002.
gnomAD v4.1: 14 of 1,611,396 alleles (0.00087%); highest among the groups gnomAD compares: Non-Finnish European, 0.0012%; no homozygotes.

Submission:

Labcorp Genetics (formerly Invitae), Labcorp
Classification: Uncertain significance for Dyskeratosis congenita, autosomal recessive 6; Pulmonary fibrosis and/or bone marrow failure, Telomere-related, 4. Last evaluated: 2023-08-07. Review status: criteria provided, single submitter. Criteria: Invitae Variant Classification Sherloc (09022015). Collection method: clinical testing. Allele origin: germline.
Comment: In summary, the available evidence is currently insufficient to determine the role of this variant in disease. Therefore, it has been classified as a Variant of Uncertain Significance. This sequence change replaces valine, which is neutral and non-polar, with alanine, which is neutral and non-polar, at codon 171 of the PARN protein (p.Val171Ala). Advanced modeling of protein sequence and biophysical properties (such as structural, functional, and spatial information, amino acid conservation, physicochemical variation, residue mobility, and thermodynamic stability) performed at Invitae indicates that this missense variant is not expected to disrupt PARN protein function. This variant has not been reported in the literature in individuals affected with PARN-related conditions. This variant is present in population databases (rs759305419, gnomAD 0.0009%).

NM_002582.4(PARN):c.512T>C (p.Val171Ala)

Gene: PARN (poly(A)-specific ribonuclease; minus strand). Cytogenetic location: 16p13.12.
Variant type: single nucleotide variant.
Coding change: c.512T>C on transcript NM_002582.4 (MANE Select); coding-DNA position 512, T replaced by C.
Protein change: p.Val171Ala; replaces valine 171 with alanine.
Molecular consequence: missense variant.
Genome position (GRCh38, 1-based): chr16:14,610,686, A>G on the plus strand (T>C on the coding strand, the complement: PARN is on the minus strand). VCF-style: chr16-14610686-A-G. GRCh37 (hg19) VCF-style: chr16-14704543-A-G.
Other names: c.329T>C, p.Val110Ala (NM_001134477.3); c.374T>C, p.Val125Ala (NM_001242992.2); short protein forms V110A, V125A, V171A.
Identifiers: ClinVar variation 2930713 (VCV002930713.3), dbSNP rs759305419, ClinGen allele CA7912401.